The following is an entry in ClinVar:

ClinVar aggregate classification (germline): Uncertain significance (1 of 4 stars; one submission).

gnomAD v4.1: 1 of 1,607,334 alleles (0.000062%); no homozygotes.

Submission:

Mayo Clinic Laboratories, Mayo Clinic
Classification: Uncertain significance. Last evaluated: 2025-07-11. Review status: criteria provided, single submitter. Criteria: ACMG Guidelines, 2015. Collection method: clinical testing. Allele origin: germline. Observed: 1 variant allele.
Comment: BP4_moderate

NM_001367561.1(DOCK7):c.1112C>A (p.Thr371Asn)

Gene: DOCK7 (dedicator of cytokinesis 7; minus strand). Cytogenetic location: 1p31.3.
Variant type: single nucleotide variant.
Coding change: c.1112C>A on transcript NM_001367561.1 (MANE Select); coding-DNA position 1112, C replaced by A.
Protein change: p.Thr371Asn; replaces threonine 371 with asparagine.
Molecular consequence: missense variant.
Genome position (GRCh38, 1-based): chr1:62,633,502, G>T on the plus strand (C>A on the coding strand, the complement: DOCK7 is on the minus strand). VCF-style: chr1-62633502-G-T. GRCh37 (hg19) VCF-style: chr1-63099173-G-T.
Other names: p.Thr371Asn; c.1112C>A, p.Thr371Asn (NM_001271999.2, NM_001272000.2, NM_001272001.2 and 3 more transcripts); short protein forms T371N.
Identifiers: ClinVar variation 4541203 (VCV004541203.1).
Genomic context (GRCh38, chr1:62,633,502, plus strand): 5'-TTCTCCCAAGTTACAATAGTAATAATGTGGCGGAAATGAGAAGCATAACATTCTACCTTG[G>T]TGGCATCTGCTTCTTTGAAAATCATATATGGTTCTGCACACTCTCCAATGTCTCCTTGCT-3'
Protein context (NP_001354490.1, residues 361-381): PYMIFKEADA[Thr371Asn]KNKEKLEKLK